The following is an entry in ClinVar:

NM_005228.5(EGFR):c.211C>T (p.Gln71Ter)

Gene: EGFR (epidermal growth factor receptor; plus strand). Cytogenetic location: 7p11.2.
Variant type: single nucleotide variant.
Coding change: c.211C>T on transcript NM_005228.5 (MANE Select); coding-DNA position 211, C replaced by T.
Protein change: p.Gln71Ter; replaces glutamine 71 with a stop codon.
Molecular consequence: nonsense. On other transcripts: intron variant (1).
Genome position (GRCh38, 1-based): chr7:55,142,408, C>T. VCF-style: chr7-55142408-C-T. GRCh37 (hg19) VCF-style: chr7-55210101-C-T.
Other names: c.211C>T, p.Gln71Ter (NM_001346897.2, NM_001346898.2, NM_001346899.2 and 3 more transcripts); c.52C>T, p.Gln18Ter (NM_001346900.2); c.89-13422C>T (NM_001346941.2); short protein forms Q18*, Q71*.
Identifiers: ClinVar variation 2183948 (VCV002183948.5), dbSNP rs1470757416, ClinGen allele CA367574922.

ClinVar aggregate classification (germline): Conflicting classifications of pathogenicity. Review status: criteria provided, conflicting classifications (1 of 4 stars). 2 submissions from 2 submitters: Pathogenic (1); Uncertain significance (1). Last evaluated 2025-10-16.

Conditions:
Hereditary cancer-predisposing syndrome. Also called: Hereditary Cancer Syndrome; Neoplastic Syndromes, Hereditary; Tumor predisposition; Hereditary neoplastic syndrome. Identifiers: Orphanet 140162, MedGen C0027672, MeSH D009386, MONDO:0015356.
EGFR-related lung cancer (EGFR). Identifiers: MedGen CN130014.

Allele frequency attached by ClinVar (database versions not stated): gnomAD exomes below 0.00001; TOPMed below 0.00001; gnomAD 0.00001.

Submissions (2):

Ambry Genetics
Classification: Uncertain significance for Hereditary cancer-predisposing syndrome. Last evaluated: 2025-10-16. Review status: criteria provided, single submitter. Criteria: Ambry Variant Classification Scheme 2023. Collection method: clinical testing. Allele origin: germline.
Comment: The p.Q71* variant (also known as c.211C>T), located in coding exon 2 of the EGFR gene, results from a C to T substitution at nucleotide position 211. This changes the amino acid from a glutamine to a stop codon within coding exon 2. This alteration is expected to result in loss of function by premature protein truncation or nonsense-mediated mRNA decay. Although biallelic loss of function of EGFR are known to cause EGFR-related neonatal inflammatory skin and bowel disease, such associations with EGFR-related lung cancer have not been reported. Based on the supporting evidence, this variant is expected to be causative of EGFR-related neonatal inflammatory skin and bowel disease when present along with a second pathogenic variant on the other allele; however, its clinical significance for EGFR-related lung cancer is unclear.

Labcorp Genetics (formerly Invitae), Labcorp
Classification: Pathogenic for EGFR-related lung cancer. Last evaluated: 2023-05-20. Review status: criteria provided, single submitter. Criteria: Invitae Variant Classification Sherloc (09022015). Collection method: clinical testing. Allele origin: germline.
Comment: For these reasons, this variant has been classified as Pathogenic. ClinVar contains an entry for this variant (Variation ID: 2183948). This variant has not been reported in the literature in individuals affected with EGFR-related conditions. This variant is present in population databases (no rsID available, gnomAD 0.002%). This sequence change creates a premature translational stop signal (p.Gln71*) in the EGFR gene. It is expected to result in an absent or disrupted protein product. Loss-of-function variants in EGFR are known to be pathogenic (PMID: 7630400, 28726809, 29899996).

Literature cited by the submitters: PubMed 7630400 (cited by Labcorp Genetics (formerly Invitae), Labcorp); PubMed 28726809 (cited by Labcorp Genetics (formerly Invitae), Labcorp); PubMed 29899996 (cited by Labcorp Genetics (formerly Invitae), Labcorp).